The following is an entry in ClinVar:

NM_178510.2(ANKK1):c.*1A>G

Gene: ANKK1 (ankyrin repeat and kinase domain containing 1; plus strand). Cytogenetic location: 11q23.2.
Variant type: single nucleotide variant.
Coding change: c.*1A>G on transcript NM_178510.2 (MANE Select); 1 bases downstream of the stop codon, A replaced by G.
Molecular consequence: 3 prime UTR variant.
Genome position (GRCh38, 1-based): chr11:113,400,268, A>G. VCF-style: chr11-113400268-A-G. GRCh37 (hg19) VCF-style: chr11-113270990-A-G.
Identifiers: ClinVar variation 3035701 (VCV003035701.2), dbSNP rs1001386697, ClinGen allele CA228616397.
Genomic context (GRCh38, chr11:113,400,268, plus strand): 5'-AAGGAGCCGTCAGTGGCCACTCTGGGTGGTTCTAAGCCAGGAGCCGAGATGGAAATTTAG[A>G]CAACTTGGCCAGCCGTGGTGGCTCACGTCTGTAATCCCAGCACTTTGGGAGGCTGAGGCA-3'

ClinVar aggregate classification (germline): Likely benign (0 of 4 stars; one submission).

Conditions:
ANKK1-related disorder. Also called: ANKK1-related condition.

Allele frequency attached by ClinVar (database versions not stated): TOPMed 0.00002; gnomAD 0.00003; gnomAD exomes 0.00004.

Submission:

PreventionGenetics, part of Exact Sciences
Classification: Likely benign for ANKK1-related condition. Last evaluated: 2019-08-09. Review status: no assertion criteria provided. Collection method: clinical testing. Allele origin: germline.
Comment: This variant is classified as likely benign based on ACMG/AMP sequence variant interpretation guidelines (Richards et al. 2015 PMID: 25741868, with internal and published modifications).